The following is an entry in ClinVar:

NM_198578.4(LRRK2):c.198C>G (p.Ile66Met)

Gene: LRRK2 (leucine rich repeat kinase 2; plus strand). Cytogenetic location: 12q12.
Variant type: single nucleotide variant.
Coding change: c.198C>G on transcript NM_198578.4 (MANE Select); coding-DNA position 198, C replaced by G.
Protein change: p.Ile66Met; replaces isoleucine 66 with methionine.
Molecular consequence: missense variant.
Genome position (GRCh38, 1-based): chr12:40,225,601, C>G. VCF-style: chr12-40225601-C-G. GRCh37 (hg19) VCF-style: chr12-40619403-C-G.
Other names: short protein forms I66M.
Identifiers: ClinVar variation 2624879 (VCV002624879.2), dbSNP rs1940833074, ClinGen allele CA384399216.

ClinVar aggregate classification (germline): Uncertain significance (1 of 4 stars; one submission).

Conditions:
Inborn genetic diseases. Identifiers: MedGen C0950123, MeSH D030342.

Submission:

Ambry Genetics
Classification: Uncertain significance for Inborn genetic diseases. Last evaluated: 2023-07-12. Review status: criteria provided, single submitter. Criteria: Ambry Variant Classification Scheme 2023. Collection method: clinical testing. Allele origin: germline.
Comment: The p.I66M variant (also known as c.198C>G), located in coding exon 2 of the LRRK2 gene, results from a C to G substitution at nucleotide position 198. The isoleucine at codon 66 is replaced by methionine, an amino acid with highly similar properties. This amino acid position is conserved. In addition, this alteration is predicted to be tolerated by in silico analysis. Since supporting evidence is limited at this time, the clinical significance of this alteration remains unclear.